The following is an entry in ClinVar:

ClinVar aggregate classification (germline): Uncertain significance (1 of 4 stars; one submission).

Allele frequency attached by ClinVar (database versions not stated): gnomAD exomes below 0.00001.
gnomAD v4.1: 1 of 1,613,402 alleles (0.000062%); highest among the groups gnomAD compares: African/African-American, 0.0013%; no homozygotes.

Submission:

Laboratory for Molecular Medicine, Mass General Brigham Personalized Medicine
Classification: Uncertain significance. Last evaluated: 2018-10-10. Review status: criteria provided, single submitter. Criteria: LMM Criteria. Collection method: clinical testing. Allele origin: germline. Observed: 1 variant allele.
Comment: The p.Glu178Lys variant in TMC1 has not been previously reported in individuals with hearing loss and was absent from large population studies. Another missense variant at the same amino acid position (p.Glu178Asp) has been reported in the homozygous state in an individual with hearing loss (Atik 2015), suggesting chan ges at this position may not be tolerated. Computational prediction tools and co nservation analysis do not provide strong support for or against an impact to th e protein. In summary, the clinical significance of this variant is uncertain. A CMG/AMP Criteria applied: PM2.

Literature cited by the submitters: PubMed 26561413.

NM_138691.3(TMC1):c.532G>A (p.Glu178Lys)

Gene: TMC1 (transmembrane channel like 1; plus strand). Cytogenetic location: 9q21.13.
Variant type: single nucleotide variant.
Coding change: c.532G>A on transcript NM_138691.3 (MANE Select); coding-DNA position 532, G replaced by A.
Protein change: p.Glu178Lys; replaces glutamic acid 178 with lysine.
Molecular consequence: missense variant.
Genome position (GRCh38, 1-based): chr9:72,742,522, G>A. VCF-style: chr9-72742522-G-A. GRCh37 (hg19) VCF-style: chr9-75357438-G-A.
Other names: short protein forms E178K.
Identifiers: ClinVar variation 666934 (VCV000666934.4), dbSNP rs1588060117, ClinGen allele CA373495565.
Genomic context (GRCh38, chr9:72,742,522, plus strand): 5'-CGTGATTTTGAGAACTTCAAAGCTGCGTGTGTCCCATGGGAAAATAAAATCAAGGCTATT[G>A]AAAGTAAGTCCTTATCAGATCTCAGGTGGAGAAGGTTGTCTTAGAGAAGTATCTCATAAG-3'
Protein context (NP_619636.2, residues 168-188): VPWENKIKAI[Glu178Lys]SQFGSSVASY